The following is an entry in ClinVar:

ClinVar aggregate classification (germline): Uncertain significance (1 of 4 stars; one submission).

Submission:

GeneDx
Classification: Uncertain significance. Last evaluated: 2026-02-10. Review status: criteria provided, single submitter. Criteria: GeneDx Variant Classification Process June 2021. Collection method: clinical testing. Allele origin: germline.
Comment: Not observed at significant frequency in large population cohorts (gnomAD); Missense variants in this gene are a common cause of disease and they are underrepresented in the general population; In silico analysis supports that this missense variant has a deleterious effect on protein structure/function; Has not been previously published as pathogenic or benign to our knowledge; This variant is associated with the following publications: (PMID: 29493581)

NM_005633.4(SOS1):c.795T>A (p.Asp265Glu)

Gene: SOS1 (SOS Ras/Rac guanine nucleotide exchange factor 1; minus strand). Cytogenetic location: 2p22.1.
Variant type: single nucleotide variant.
Coding change: c.795T>A on transcript NM_005633.4 (MANE Select); coding-DNA position 795, T replaced by A.
Protein change: p.Asp265Glu; replaces aspartic acid 265 with glutamic acid.
Molecular consequence: missense variant.
Genome position (GRCh38, 1-based): chr2:39,051,213, A>T on the plus strand (T>A on the coding strand, the complement: SOS1 is on the minus strand). VCF-style: chr2-39051213-A-T. GRCh37 (hg19) VCF-style: chr2-39278354-A-T.
Other names: c.774T>A, p.Asp258Glu (NM_001382394.1); c.795T>A, p.Asp265Glu (NM_001382395.1); short protein forms D258E, D265E.
Identifiers: ClinVar variation 4976440 (VCV004976440.1).